The following is an entry in ClinVar:

ClinVar aggregate classification (germline): Benign (1 of 4 stars; one submission).

Conditions:
Autosomal dominant nonsyndromic hearing loss 25. Identifiers: Orphanet 90635, MedGen C1854158, MONDO:0011568, OMIM 605583.

Allele frequency attached by ClinVar (database versions not stated): gnomAD exomes 0.00033; gnomAD 0.00321 and 0.00337; TOPMed 0.00345; 1000 Genomes Project 0.00359; 1000 Genomes Project 30x 0.00406.
gnomAD v4.1: 487 of 161,666 alleles (0.3%); highest among the groups gnomAD compares: African/African-American, 1.1%; 2 homozygotes.

Submission:

Illumina Laboratory Services, Illumina
Classification: Benign for Autosomal dominant nonsyndromic hearing loss 25. Last evaluated: 2018-01-13. Review status: criteria provided, single submitter. Criteria: ICSL Variant Classification Criteria 13 December 2019. Collection method: clinical testing. Allele origin: germline.
Comment: This variant was observed in the ICSL laboratory as part of a predisposition screen in an ostensibly healthy population. It had not been previously curated by ICSL or reported in the Human Gene Mutation Database (HGMD: prior to June 1st, 2018), and was therefore a candidate for classification through an automated scoring system. Utilizing variant allele frequency, disease prevalence and penetrance estimates, and inheritance mode, an automated score was calculated to assess if this variant is too frequent to cause the disease. Based on the score and internal cut-off values, a variant classified as benign is not then subjected to further curation. The score for this variant resulted in a classification of benign for this disease.

NM_139319.3(SLC17A8):c.*507G>A

Gene: SLC17A8 (solute carrier family 17 member 8; plus strand). Cytogenetic location: 12q23.1.
Variant type: single nucleotide variant.
Coding change: c.*507G>A on transcript NM_139319.3 (MANE Select); 507 bases downstream of the stop codon, G replaced by A.
Molecular consequence: 3 prime UTR variant.
Genome position (GRCh38, 1-based): chr12:100,420,666, G>A. VCF-style: chr12-100420666-G-A. GRCh37 (hg19) VCF-style: chr12-100814444-G-A.
Other names: c.*507G>A (NM_001145288.2).
Identifiers: ClinVar variation 306643 (VCV000306643.5), dbSNP rs73376066, ClinGen allele CA10631850.
Genomic context (GRCh38, chr12:100,420,666, plus strand): 5'-ACTCTTATTTAATCTCCACACCTTTATGACACACATTTCTTATCCCCATTTTACAACCAA[G>A]GCATCTAAAGCAACAAGAAATGAACTTGCCCAAGGTCATCTGCCAGGGTCAGTGCTGAGA-3'